The following is an entry in ClinVar:

ClinVar aggregate classification (germline): Uncertain significance (1 of 4 stars; one submission).

Conditions:
Neuromuscular disease caused by qualitative or quantitative defects of dysferlin. Also called: Qualitative or quantitative defects of dysferlin; Dysferlinopathy. Identifiers: Orphanet 207073, MedGen C2931687, MONDO:0016145.

Submission:

Labcorp Genetics (formerly Invitae), Labcorp
Classification: Uncertain significance for Neuromuscular disease caused by qualitative or quantitative defects of dysferlin. Last evaluated: 2022-06-20. Review status: criteria provided, single submitter. Criteria: Invitae Variant Classification Sherloc (09022015). Collection method: clinical testing. Allele origin: germline.
Comment: This sequence change replaces methionine, which is neutral and non-polar, with isoleucine, which is neutral and non-polar, at codon 1344 of the DYSF protein (p.Met1344Ile). This variant is not present in population databases (gnomAD no frequency). This variant has not been reported in the literature in individuals affected with DYSF-related conditions. Advanced modeling of protein sequence and biophysical properties (such as structural, functional, and spatial information, amino acid conservation, physicochemical variation, residue mobility, and thermodynamic stability) performed at Invitae indicates that this missense variant is not expected to disrupt DYSF protein function. In summary, the available evidence is currently insufficient to determine the role of this variant in disease. Therefore, it has been classified as a Variant of Uncertain Significance.

NM_001130987.2(DYSF):c.4086G>C (p.Met1362Ile)

Gene: DYSF (dysferlin; plus strand). Cytogenetic location: 2p13.2.
Variant type: single nucleotide variant.
Coding change: c.4086G>C on transcript NM_001130987.2 (MANE Select); coding-DNA position 4086, G replaced by C.
Protein change: p.Met1362Ile; replaces methionine 1362 with isoleucine.
Molecular consequence: missense variant.
Genome position (GRCh38, 1-based): chr2:71,611,491, G>C. VCF-style: chr2-71611491-G-C. GRCh37 (hg19) VCF-style: chr2-71838621-G-C.
Other names: c.4035G>C, p.Met1345Ile (NM_001130455.2, NM_001130983.2); c.3990G>C, p.Met1330Ile (NM_001130976.2, NM_001130977.2); c.4032G>C, p.Met1344Ile (NM_001130978.2, NM_003494.4); c.4125G>C, p.Met1375Ile (NM_001130979.2); c.4083G>C, p.Met1361Ile (NM_001130980.2, NM_001130981.2); c.4128G>C, p.Met1376Ile (NM_001130982.2); c.3993G>C, p.Met1331Ile (NM_001130984.2, NM_001130986.2); c.4086G>C, p.Met1362Ile (NM_001130985.2); short protein forms M1331I, M1344I, M1345I, M1330I, M1362I, M1375I, M1361I, M1376I.
Identifiers: ClinVar variation 1505069 (VCV001505069.3), dbSNP rs2152875227, ClinGen allele CA347228434.